The following is an entry in ClinVar:

NM_000173.7(GP1BA):c.1455A>G (p.Val485=)

Gene: GP1BA (glycoprotein Ib platelet subunit alpha; plus strand). Cytogenetic location: 17p13.2.
Variant type: single nucleotide variant.
Coding change: c.1455A>G on transcript NM_000173.7 (MANE Select); coding-DNA position 1455, A replaced by G.
Protein change: p.Val485=; no amino-acid change (valine 485 retained).
Molecular consequence: synonymous variant.
Genome position (GRCh38, 1-based): chr17:4,934,059, A>G. VCF-style: chr17-4934059-A-G. GRCh37 (hg19) VCF-style: chr17-4837354-A-G.
Other names: c.1455A>G (NM_000173.6).
Identifiers: ClinVar variation 2150515 (VCV002150515.7), dbSNP rs1450043159, ClinGen allele CA497678258.

ClinVar aggregate classification (germline): Likely benign. Review status: criteria provided, multiple submitters, no conflicts (2 of 4 stars). 3 submissions from 3 submitters: Likely benign (2). 1 of the submissions does not count toward it. Last evaluated 2023-10-03.

Conditions:
GP1BA-related disorder. Also called: GP1BA-related condition.

Allele frequency attached by ClinVar (database versions not stated): gnomAD exomes below 0.00001.
gnomAD v4.1: 2 of 1,613,686 alleles (0.00012%); highest among the groups gnomAD compares: Non-Finnish European, 0.000085%; no homozygotes.

Submissions (3):

Labcorp Genetics (formerly Invitae), Labcorp
Classification: Likely benign. Last evaluated: 2023-10-03. Review status: criteria provided, single submitter. Criteria: Invitae Variant Classification Sherloc (09022015). Collection method: clinical testing. Allele origin: germline.

Blueprint Genetics
Classification: Likely benign. Last evaluated: 2023-08-04. Review status: criteria provided, single submitter. Criteria: ACMG Guidelines, 2015. Collection method: clinical testing. Allele origin: germline.

PreventionGenetics, part of Exact Sciences
Classification: Likely benign for GP1BA-related condition. Last evaluated: 2019-07-15. Review status: no assertion criteria provided. Collection method: clinical testing. Allele origin: germline. Not counted in ClinVar's aggregate classification.
Comment: This variant is classified as likely benign based on ACMG/AMP sequence variant interpretation guidelines (Richards et al. 2015 PMID: 25741868, with internal and published modifications).